The following is an entry in ClinVar:

ClinVar aggregate classification (germline): Uncertain significance (1 of 4 stars; one submission).

Allele frequency attached by ClinVar (database versions not stated): ExAC 0.00001; gnomAD 0.00001; TOPMed 0.00001.
gnomAD v4.1: 8 of 1,614,034 alleles (0.0005%); highest among the groups gnomAD compares: Middle Eastern, 0.033%; no homozygotes.

Submission:

Labcorp Genetics (formerly Invitae), Labcorp
Classification: Uncertain significance. Last evaluated: 2022-06-10. Review status: criteria provided, single submitter. Criteria: Invitae Variant Classification Sherloc (09022015). Collection method: clinical testing. Allele origin: germline.
Comment: This sequence change replaces proline, which is neutral and non-polar, with histidine, which is basic and polar, at codon 90 of the MERTK protein (p.Pro90His). This variant is present in population databases (rs199912096, gnomAD 0.009%). This variant has not been reported in the literature in individuals affected with MERTK-related conditions. Algorithms developed to predict the effect of missense changes on protein structure and function are either unavailable or do not agree on the potential impact of this missense change (SIFT: "Deleterious"; PolyPhen-2: "Benign"; Align-GVGD: "Class C0"). In summary, the available evidence is currently insufficient to determine the role of this variant in disease. Therefore, it has been classified as a Variant of Uncertain Significance.

NM_006343.3(MERTK):c.269C>A (p.Pro90His)

Gene: MERTK (MER proto-oncogene, tyrosine kinase; plus strand). Cytogenetic location: 2q13.
Variant type: single nucleotide variant.
Coding change: c.269C>A on transcript NM_006343.3 (MANE Select); coding-DNA position 269, C replaced by A.
Protein change: p.Pro90His; replaces proline 90 with histidine.
Molecular consequence: missense variant.
Genome position (GRCh38, 1-based): chr2:111,929,327, C>A. VCF-style: chr2-111929327-C-A. GRCh37 (hg19) VCF-style: chr2-112686904-C-A.
Other names: short protein forms P90H.
Identifiers: ClinVar variation 1915529 (VCV001915529.2), dbSNP rs199912096, ClinGen allele CA1831009.